The following is an entry in ClinVar:

ClinVar aggregate classification (germline): Uncertain significance. Review status: criteria provided, multiple submitters, no conflicts (2 of 4 stars). 2 submissions from 2 submitters: Uncertain significance (2). Last evaluated 2025-05-13.

Conditions:
Cardiovascular phenotype. Identifiers: MedGen CN230736.
Dilated cardiomyopathy 1W (CMD1W). Identifiers: Orphanet 154, MedGen C1969639, MONDO:0012667, OMIM 611407.

Allele frequency attached by ClinVar (database versions not stated): gnomAD 0.00001; TOPMed 0.00001.
gnomAD v4.1: 1 of 1,613,984 alleles (0.000062%); highest among the groups gnomAD compares: African/African-American, 0.0013%; no homozygotes.

Submissions (2):

Labcorp Genetics (formerly Invitae), Labcorp
Classification: Uncertain significance for Dilated cardiomyopathy 1W. Last evaluated: 2025-05-13. Review status: criteria provided, single submitter. Criteria: Invitae Variant Classification Sherloc (09022015). Collection method: clinical testing. Allele origin: germline.
Comment: This sequence change replaces proline, which is neutral and non-polar, with serine, which is neutral and polar, at codon 567 of the VCL protein (p.Pro567Ser). This variant is not present in population databases (gnomAD no frequency). This variant has not been reported in the literature in individuals affected with VCL-related conditions. ClinVar contains an entry for this variant (Variation ID: 1778289). An algorithm developed to predict the effect of missense changes on protein structure and function (PolyPhen-2) suggests that this variant is likely to be disruptive. In summary, the available evidence is currently insufficient to determine the role of this variant in disease. Therefore, it has been classified as a Variant of Uncertain Significance.

Ambry Genetics
Classification: Uncertain significance for Cardiovascular phenotype. Last evaluated: 2021-12-07. Review status: criteria provided, single submitter. Criteria: Ambry Variant Classification Scheme 2023. Collection method: clinical testing. Allele origin: germline.
Comment: The p.P567S variant (also known as c.1699C>T), located in coding exon 12 of the VCL gene, results from a C to T substitution at nucleotide position 1699. The proline at codon 567 is replaced by serine, an amino acid with similar properties. This amino acid position is conserved. In addition, the in silico prediction for this alteration is inconclusive. Since supporting evidence is limited at this time, the clinical significance of this alteration remains unclear.

NM_014000.3(VCL):c.1699C>T (p.Pro567Ser)

Gene: VCL (vinculin; plus strand). Cytogenetic location: 10q22.2.
Variant type: single nucleotide variant.
Coding change: c.1699C>T on transcript NM_014000.3 (MANE Select); coding-DNA position 1699, C replaced by T.
Protein change: p.Pro567Ser; replaces proline 567 with serine.
Molecular consequence: missense variant.
Genome position (GRCh38, 1-based): chr10:74,095,811, C>T. VCF-style: chr10-74095811-C-T. GRCh37 (hg19) VCF-style: chr10-75855569-C-T.
Other names: c.1699C>T, p.Pro567Ser (NM_003373.4); short protein forms P567S.
Identifiers: ClinVar variation 1778289 (VCV001778289.3), dbSNP rs1440942210, ClinGen allele CA377275126.
Genomic context (GRCh38, chr10:74,095,811, plus strand): 5'-CGAGTGGACCAGCTGACAGCCCAGCTGGCTGACCTGGCTGCCAGAGGGGAAGGGGAGAGT[C>T]CTCAGGCACGAGCACTTGCATCTCAGCTCCAAGACTCCTTAAAGGTAGAAGTCAGGAGCA-3'
Protein context (NP_054706.1, residues 557-577): DLAARGEGES[Pro567Ser]QARALASQLQ